The following is an entry in ClinVar:

ClinVar aggregate classification (germline): Uncertain significance. Review status: criteria provided, multiple submitters, no conflicts (2 of 4 stars). 2 submissions from 2 submitters: Uncertain significance (2). Last evaluated 2024-08-15.

Conditions:
Autosomal recessive limb-girdle muscular dystrophy type 2A (LGMDR1). Also called: Calpainopathy; MUSCULAR DYSTROPHY, PELVOFEMORAL; Limb-girdle muscular dystrophy, type 2A; Muscular dystrophy, limb-girdle, type 2A, Amish; LEYDEN-MOEBIUS MUSCULAR DYSTROPHY. Identifiers: Orphanet 267, MedGen C1869123, MONDO:0009675, OMIM 253600. Disease mechanism: loss of function.

Allele frequency attached by ClinVar (database versions not stated): gnomAD exomes below 0.00001 and 0.00001; TOPMed below 0.00001; ExAC 0.00001; gnomAD 0.00001.
gnomAD v4.1: 5 of 1,613,920 alleles (0.00031%); highest among the groups gnomAD compares: South Asian, 0.0011%; no homozygotes.

Submissions (2):

Labcorp Genetics (formerly Invitae), Labcorp
Classification: Uncertain significance for Autosomal recessive limb-girdle muscular dystrophy type 2A. Last evaluated: 2024-08-15. Review status: criteria provided, single submitter. Criteria: Invitae Variant Classification Sherloc (09022015). Collection method: clinical testing. Allele origin: germline.
Comment: This sequence change replaces alanine, which is neutral and non-polar, with glycine, which is neutral and non-polar, at codon 795 of the CAPN3 protein (p.Ala795Gly). This variant is present in population databases (rs762967335, gnomAD 0.003%). This variant has not been reported in the literature in individuals affected with CAPN3-related conditions. ClinVar contains an entry for this variant (Variation ID: 285331). Invitae Evidence Modeling of protein sequence and biophysical properties (such as structural, functional, and spatial information, amino acid conservation, physicochemical variation, residue mobility, and thermodynamic stability) indicates that this missense variant is expected to disrupt CAPN3 protein function with a positive predictive value of 80%. In summary, the available evidence is currently insufficient to determine the role of this variant in disease. Therefore, it has been classified as a Variant of Uncertain Significance.

Eurofins Ntd Llc (ga)
Classification: Uncertain significance. Last evaluated: 2016-01-22. Review status: criteria provided, single submitter. Criteria: EGL Classification Definitions 2015. Collection method: clinical testing. Allele origin: germline. Observed: 1 variant allele, 1 heterozygote.

NM_000070.3(CAPN3):c.2384C>G (p.Ala795Gly)

Gene: CAPN3 (calpain 3; plus strand). Cytogenetic location: 15q15.1.
Variant type: single nucleotide variant.
Coding change: c.2384C>G on transcript NM_000070.3 (MANE Select); coding-DNA position 2384, C replaced by G.
Protein change: p.Ala795Gly; replaces alanine 795 with glycine.
Molecular consequence: missense variant.
Genome position (GRCh38, 1-based): chr15:42,411,290, C>G. VCF-style: chr15-42411290-C-G. GRCh37 (hg19) VCF-style: chr15-42703488-C-G.
Other names: c.2366C>G, p.Ala789Gly (NM_024344.2); c.2108C>G, p.Ala703Gly (NM_173087.2); c.848C>G, p.Ala283Gly (NM_173088.2); c.389C>G, p.Ala130Gly (NM_173089.2, NM_173090.2); short protein forms A795G, A130G, A283G, A703G, A789G.
Identifiers: ClinVar variation 285331 (VCV000285331.7), dbSNP rs762967335, ClinGen allele CA7511861.
Genomic context (GRCh38, chr15:42,411,290, plus strand): 5'-AGTAGTAGAGGCGGAGTGCGCCTGTAACTGGCCTCTGGCCTGTGCATTCTTTCACAGGAG[C>G]TTTTCATGCATTTGACAAGGATGGAGATGGTATCATCAAGCTCAACGTTCTGGAGGTAAA-3'
Protein context (NP_000061.1, residues 785-805): CFVRLEGMFR[Ala795Gly]FHAFDKDGDG